The following is an entry in ClinVar:

ClinVar aggregate classification (germline): Uncertain significance (1 of 4 stars; one submission).

Submission:

CeGaT Center for Human Genetics Tuebingen
Classification: Uncertain significance. Last evaluated: 2026-02-01. Review status: criteria provided, single submitter. Criteria: CeGaT Center For Human Genetics Tuebingen Variant Classification Criteria Version 2. Collection method: clinical testing. Allele origin: germline. Affected: yes. Observed: 1 variant allele.
Comment: ZSWIM6: PM2

NM_020928.2(ZSWIM6):c.660C>A (p.Asp220Glu)

Gene: ZSWIM6 (zinc finger SWIM-type containing 6; plus strand). Cytogenetic location: 5q12.1.
Variant type: single nucleotide variant.
Coding change: c.660C>A on transcript NM_020928.2 (MANE Select); coding-DNA position 660, C replaced by A.
Protein change: p.Asp220Glu; replaces aspartic acid 220 with glutamic acid.
Molecular consequence: missense variant.
Genome position (GRCh38, 1-based): chr5:61,332,932, C>A. VCF-style: chr5-61332932-C-A. GRCh37 (hg19) VCF-style: chr5-60628759-C-A.
Other names: short protein forms D220E.
Identifiers: ClinVar variation 4823201 (VCV004823201.4).
Genomic context (GRCh38, chr5:61,332,932, plus strand): 5'-CGACGAGACGCGGCTGCCTTTCCGCCGGGGCATCGCGCTGTTGGAAAGCGGCTGCGTAGA[C>A]AACGTCCTGCAAGTCGGTGAGTCACGGGGCAGCCGCGAGCCGTCTGTCCGTCCGTCAGTC-3'
Protein context (NP_065979.1, residues 210-230): GIALLESGCV[Asp220Glu]NVLQVGFHLS